The following is an entry in ClinVar:

ClinVar aggregate classification (germline): Likely benign (0 of 4 stars; one submission).

Conditions:
ANKFY1-related disorder. Also called: ANKFY1-related condition.

Allele frequency attached by ClinVar (database versions not stated): TOPMed below 0.00001; ExAC 0.00002.
gnomAD v4.1: 2 of 1,614,230 alleles (0.00012%); highest among the groups gnomAD compares: Non-Finnish European, 0.00017%; no homozygotes.

Submission:

PreventionGenetics, part of Exact Sciences
Classification: Likely benign for ANKFY1-related condition. Last evaluated: 2020-05-04. Review status: no assertion criteria provided. Collection method: clinical testing. Allele origin: germline.
Comment: This variant is classified as likely benign based on ACMG/AMP sequence variant interpretation guidelines (Richards et al. 2015 PMID: 25741868, with internal and published modifications).

NM_001330063.2(ANKFY1):c.1065G>A (p.Gln355=)

Gene: ANKFY1 (ankyrin repeat and FYVE domain containing 1; minus strand). Cytogenetic location: 17p13.2.
Variant type: single nucleotide variant.
Coding change: c.1065G>A on transcript NM_001330063.2 (MANE Select); coding-DNA position 1065, G replaced by A.
Protein change: p.Gln355=; no amino-acid change (glutamine 355 retained).
Molecular consequence: synonymous variant. On other transcripts: non-coding transcript variant (1).
Genome position (GRCh38, 1-based): chr17:4,197,411, C>T on the plus strand (G>A on the coding strand, the complement: ANKFY1 is on the minus strand). VCF-style: chr17-4197411-C-T. GRCh37 (hg19) VCF-style: chr17-4100706-C-T.
Other names: c.1191G>A, p.Gln397= (NM_001257999.3); c.1065G>A, p.Gln355= (NM_016376.5).
Identifiers: ClinVar variation 3054280 (VCV003054280.2), dbSNP rs772259037, ClinGen allele CA8301575.